The following is an entry in ClinVar:

NM_001199397.3(NEK1):c.1438C>G (p.Leu480Val)

Gene: NEK1 (NIMA related kinase 1; minus strand). Cytogenetic location: 4q33.
Variant type: single nucleotide variant.
Coding change: c.1438C>G on transcript NM_001199397.3 (MANE Select); coding-DNA position 1438, C replaced by G.
Protein change: p.Leu480Val; replaces leucine 480 with valine.
Molecular consequence: missense variant. On other transcripts: non-coding transcript variant (1), intron variant (3).
Genome position (GRCh38, 1-based): chr4:169,555,844, G>C on the plus strand (C>G on the coding strand, the complement: NEK1 is on the minus strand). VCF-style: chr4-169555844-G-C. GRCh37 (hg19) VCF-style: chr4-170476995-G-C.
Other names: c.1438C>G, p.Leu480Val (NM_001374418.1, NM_001374419.1, NM_012224.4); c.1387C>G, p.Leu463Val (NM_001374420.1); c.1312C>G, p.Leu438Val (NM_001374421.1); c.1355+88C>G (NM_001199399.3); c.1430+88C>G (NM_001199398.3, NM_001199400.3); short protein forms L438V, L480V, L463V.
Identifiers: ClinVar variation 2102147 (VCV002102147.4), dbSNP rs2546762851, ClinGen allele CA358733812.

ClinVar aggregate classification (germline): Uncertain significance (1 of 4 stars; one submission).

Conditions:
Short-rib thoracic dysplasia 6 with or without polydactyly (SRTD6). Also called: SHORT RIB-POLYDACTYLY SYNDROME, TYPE IIA; Majewski Syndrome; SHORT-RIB THORACIC DYSPLASIA 6 WITH POLYDACTYLY; SHORT-RIB THORACIC DYSPLASIA 6 WITHOUT POLYDACTYLY; POLYDACTYLY WITH NEONATAL CHONDRODYSTROPHY, TYPE II. Identifiers: MedGen C0024507, MONDO:0009894, OMIM 263520.

Submission:

Labcorp Genetics (formerly Invitae), Labcorp
Classification: Uncertain significance for Short-rib thoracic dysplasia 6 with or without polydactyly. Last evaluated: 2022-02-22. Review status: criteria provided, single submitter. Criteria: Invitae Variant Classification Sherloc (09022015). Collection method: clinical testing. Allele origin: germline.
Comment: In summary, the available evidence is currently insufficient to determine the role of this variant in disease. Therefore, it has been classified as a Variant of Uncertain Significance. Advanced modeling of protein sequence and biophysical properties (such as structural, functional, and spatial information, amino acid conservation, physicochemical variation, residue mobility, and thermodynamic stability) performed at Invitae indicates that this missense variant is not expected to disrupt NEK1 protein function. This variant has not been reported in the literature in individuals affected with NEK1-related conditions. This variant is not present in population databases (gnomAD no frequency). This sequence change replaces leucine, which is neutral and non-polar, with valine, which is neutral and non-polar, at codon 480 of the NEK1 protein (p.Leu480Val).